The following is an entry in ClinVar:

NM_025144.4(ALPK1):c.1562C>T (p.Ser521Phe)

Gene: ALPK1 (alpha kinase 1; plus strand). Cytogenetic location: 4q25.
Variant type: single nucleotide variant.
Coding change: c.1562C>T on transcript NM_025144.4 (MANE Select); coding-DNA position 1562, C replaced by T.
Protein change: p.Ser521Phe; replaces serine 521 with phenylalanine.
Molecular consequence: missense variant.
Genome position (GRCh38, 1-based): chr4:112,431,109, C>T. VCF-style: chr4-112431109-C-T. GRCh37 (hg19) VCF-style: chr4-113352265-C-T.
Other names: c.1562C>T, p.Ser521Phe (NM_001102406.2); c.1328C>T, p.Ser443Phe (NM_001253884.2); c.1562C>T (NM_025144.3); short protein forms S521F, S443F.
Identifiers: ClinVar variation 1944856 (VCV001944856.7), dbSNP rs752522727, ClinGen allele CA3046744.
Genomic context (GRCh38, chr4:112,431,109, plus strand): 5'-ATACTGTGAGTACTACTCAAGAAAAGCCACATTGTCAAAGAGACACAGGAATATCTTCCT[C>T]CCTAATGGGTAAGAATGTTCAGAGGGAACTCAGAAGGGGAGGAAGGAGAAACTGGACCCA-3'
Protein context (NP_079420.3, residues 511-531): HCQRDTGISS[Ser521Phe]LMGKNVQREL

ClinVar aggregate classification (germline): Conflicting classifications of pathogenicity. Review status: criteria provided, conflicting classifications (1 of 4 stars). 3 submissions from 3 submitters: Uncertain significance (2); Likely benign (1). Last evaluated 2025-11-20.

Conditions:
Inborn genetic diseases. Identifiers: MedGen C0950123, MeSH D030342.

Allele frequency attached by ClinVar (database versions not stated): gnomAD 0.00001; ExAC 0.00002; TOPMed 0.00002.
gnomAD v4.1: 48 of 1,614,058 alleles (0.003%); highest among the groups gnomAD compares: Non-Finnish European, 0.0039%; no homozygotes.

Submissions (3):

Ambry Genetics
Classification: Uncertain significance for Inborn genetic diseases. Last evaluated: 2025-11-20. Review status: criteria provided, single submitter. Criteria: Ambry Variant Classification Scheme 2023. Collection method: clinical testing. Allele origin: germline.

Women's Health and Genetics/Laboratory Corporation of America, LabCorp
Classification: Likely benign. Last evaluated: 2025-02-24. Review status: criteria provided, single submitter. Criteria: LabCorp Variant Classification Summary - May 2015. Collection method: clinical testing. Allele origin: germline.
Comment: Variant summary: ALPK1 c.1562C>T (p.Ser521Phe) results in a non-conservative amino acid change in the encoded protein sequence. Three of five in-silico tools predict a damaging effect of the variant on protein function. The variant allele was found at a frequency of 3e-05 in 1607062 control chromosomes, predominantly at a frequency of 3.9e-05 within the Non-Finnish European subpopulation in the gnomAD database (v4.1 dataset). The observed variant frequency within Non-Finnish European control individuals in the gnomAD database is approximately 60-fold of the estimated maximal expected allele frequency for a pathogenic variant in ALPK1 causing Retinal dystrophy, optic nerve edema, splenomegaly, anhidrosis, and migraine headache syndrome phenotype (6.3e-07). To our knowledge, no occurrence of c.1562C>T in individuals affected with Retinal dystrophy, optic nerve edema, splenomegaly, anhidrosis, and migraine headache syndrome and no experimental evidence demonstrating its impact on protein function have been reported. ClinVar contains an entry for this variant (Variation ID: 1944856). Based on the evidence outlined above, the variant was classified as likely benign.

Labcorp Genetics (formerly Invitae), Labcorp
Classification: Uncertain significance. Last evaluated: 2025-02-12. Review status: criteria provided, single submitter. Criteria: Invitae Variant Classification Sherloc (09022015). Collection method: clinical testing. Allele origin: germline.
Comment: This sequence change replaces serine, which is neutral and polar, with phenylalanine, which is neutral and non-polar, at codon 521 of the ALPK1 protein (p.Ser521Phe). This variant is present in population databases (rs752522727, gnomAD 0.004%). This variant has not been reported in the literature in individuals affected with ALPK1-related conditions. ClinVar contains an entry for this variant (Variation ID: 1944856). Invitae Evidence Modeling of protein sequence and biophysical properties (such as structural, functional, and spatial information, amino acid conservation, physicochemical variation, residue mobility, and thermodynamic stability) indicates that this missense variant is expected to disrupt ALPK1 protein function with a positive predictive value of 80%. In summary, the available evidence is currently insufficient to determine the role of this variant in disease. Therefore, it has been classified as a Variant of Uncertain Significance.